The following is an entry in ClinVar:

ClinVar aggregate classification (germline): Pathogenic. Review status: criteria provided, multiple submitters, no conflicts (2 of 4 stars). 3 submissions from 3 submitters: Pathogenic (3). Last evaluated 2025-03-20.

Conditions:
Cardiovascular phenotype. Identifiers: MedGen CN230736.
Hereditary cancer-predisposing syndrome. Also called: Hereditary neoplastic syndrome; Tumor predisposition; Hereditary Cancer Syndrome; Neoplastic Syndromes, Hereditary. Identifiers: Orphanet 140162, MedGen C0027672, MeSH D009386, MONDO:0015356.
Neurofibromatosis, type 1 (NF1). Also called: Peripheral type neurofibromatosis; Neurofibromatosis, type I; VON RECKLINGHAUSEN DISEASE; NEUROFIBROMATOSIS, TYPE I, SOMATIC. Identifiers: Orphanet 636, MedGen C0027831, MONDO:0018975, OMIM 162200. Disease mechanism: loss of function.

Submissions (3):

GeneDx
Classification: Pathogenic. Last evaluated: 2025-03-20. Review status: criteria provided, single submitter. Criteria: GeneDx Variant Classification Process June 2021. Collection method: clinical testing. Allele origin: germline. Affected: yes.
Comment: Nonsense variant predicted to result in protein truncation or nonsense mediated decay in a gene for which loss of function is a known mechanism of disease; Not observed at significant frequency in large population cohorts (gnomAD); This variant is associated with the following publications: (PMID: 25525159, 21354044)

Labcorp Genetics (formerly Invitae), Labcorp
Classification: Pathogenic for Neurofibromatosis, type 1. Last evaluated: 2024-01-27. Review status: criteria provided, single submitter. Criteria: Invitae Variant Classification Sherloc (09022015). Collection method: clinical testing. Allele origin: germline.
Comment: This sequence change creates a premature translational stop signal (p.Ser1030*) in the NF1 gene. It is expected to result in an absent or disrupted protein product. Loss-of-function variants in NF1 are known to be pathogenic (PMID: 10712197, 23913538). This variant is not present in population databases (gnomAD no frequency). This premature translational stop signal has been observed in individual(s) with neurofibromatosis (PMID: 21354044). ClinVar contains an entry for this variant (Variation ID: 580002). For these reasons, this variant has been classified as Pathogenic.

Ambry Genetics
Classification: Pathogenic for Cardiovascular phenotype; Hereditary cancer-predisposing syndrome. Last evaluated: 2018-12-04. Review status: criteria provided, single submitter. Criteria: Ambry Variant Classification Scheme 2023. Collection method: clinical testing. Allele origin: germline.
Comment: The p.S1030* pathogenic mutation (also known as c.3089C>G), located in coding exon 23 of the NF1 gene, results from a C to G substitution at nucleotide position 3089. This changes the amino acid from a serine to a stop codon within coding exon 23. This mutation has been detected in a patient who fulfilled NIH diagnostic criteria for NF1 (Valero MC et al. J Mol Diagn. 2011 Mar;13(2):113-22). This alteration is expected to result in loss of function by premature protein truncation or nonsense-mediated mRNA decay. As such, this alteration is interpreted as a disease-causing mutation.

Literature cited by the submitters: PubMed 10712197 (cited by Labcorp Genetics (formerly Invitae), Labcorp); PubMed 23913538 (cited by Labcorp Genetics (formerly Invitae), Labcorp); PubMed 21354044 (cited by Labcorp Genetics (formerly Invitae), Labcorp).

NM_001042492.3(NF1):c.3089C>G (p.Ser1030Ter)

Gene: NF1 (neurofibromin 1; plus strand). Cytogenetic location: 17q11.2.
Variant type: single nucleotide variant.
Coding change: c.3089C>G on transcript NM_001042492.3 (MANE Select); coding-DNA position 3089, C replaced by G.
Protein change: p.Ser1030Ter; replaces serine 1030 with a stop codon.
Molecular consequence: nonsense.
Genome position (GRCh38, 1-based): chr17:31,230,358, C>G. VCF-style: chr17-31230358-C-G. GRCh37 (hg19) VCF-style: chr17-29557376-C-G.
Other names: c.3089C>G, p.Ser1030Ter (NM_000267.4); short protein forms S1030*.
Identifiers: ClinVar variation 580002 (VCV000580002.9), dbSNP rs1567849864, ClinGen allele CA398987577.